The following is an entry in ClinVar:

NM_001048174.2(MUTYH):c.844C>A (p.Gln282Lys)

Gene: MUTYH (mutY DNA glycosylase; minus strand). Cytogenetic location: 1p34.1.
Variant type: single nucleotide variant.
Coding change: c.844C>A on transcript NM_001048174.2 (MANE Select); coding-DNA position 844, C replaced by A.
Protein change: p.Gln282Lys; replaces glutamine 282 with lysine.
Molecular consequence: missense variant. On other transcripts: non-coding transcript variant (7).
Genome position (GRCh38, 1-based): chr1:45,332,171, G>T on the plus strand (C>A on the coding strand, the complement: MUTYH is on the minus strand). VCF-style: chr1-45332171-G-T. GRCh37 (hg19) VCF-style: chr1-45797843-G-T.
Other names: c.928C>A, p.Gln310Lys (NM_001128425.2); c.889C>A, p.Gln297Lys (NM_001293190.2); c.877C>A, p.Gln293Lys (NM_001293191.2, NM_001407069.1, NM_001407077.1); c.568C>A, p.Gln190Lys (NM_001293192.2, NM_001293196.2, NM_001407091.1); c.844C>A, p.Gln282Lys (NM_001293195.2, NM_001407088.1, NM_001407089.1 and 6 more transcripts); c.499C>A, p.Gln167Lys (NM_001350650.2, NM_001350651.2, NM_001407082.1); c.886C>A, p.Gln296Lys (NM_001407083.1, NM_001407085.1); c.847C>A, p.Gln283Lys (NM_001407086.1, NM_001048172.2, NM_001407071.1 and 1 more transcripts); and 5 more; short protein forms Q307K, Q190K, Q293K, Q310K, Q167K, Q268K, Q282K, Q283K.
Identifiers: ClinVar variation 4113911 (VCV004113911.1).

ClinVar aggregate classification (germline): Uncertain significance (1 of 4 stars; one submission).

Conditions:
Hereditary cancer-predisposing syndrome. Also called: Hereditary neoplastic syndrome; Neoplastic Syndromes, Hereditary; Tumor predisposition; Hereditary Cancer Syndrome. Identifiers: Orphanet 140162, MedGen C0027672, MeSH D009386, MONDO:0015356.

Submission:

Ambry Genetics
Classification: Uncertain significance for Hereditary cancer-predisposing syndrome. Last evaluated: 2025-08-27. Review status: criteria provided, single submitter. Criteria: Ambry Variant Classification Scheme 2023. Collection method: clinical testing. Allele origin: germline.
Comment: The p.Q310K variant (also known as c.928C>A), located in coding exon 10 of the MUTYH gene, results from a C to A substitution at nucleotide position 928. The glutamine at codon 310 is replaced by lysine, an amino acid with similar properties. This amino acid position is conserved. In addition, this alteration is predicted to be tolerated by in silico analysis. Based on the available evidence, the clinical significance of this variant remains unclear.